The following is an entry in ClinVar:

NM_138694.4(PKHD1):c.5454G>A (p.Gln1818=)

Gene: PKHD1 (PKHD1 ciliary IPT domain containing fibrocystin/polyductin; minus strand). Cytogenetic location: 6p12.2.
Variant type: single nucleotide variant.
Coding change: c.5454G>A on transcript NM_138694.4 (MANE Select); coding-DNA position 5454, G replaced by A.
Protein change: p.Gln1818=; no amino-acid change (glutamine 1818 retained).
Molecular consequence: synonymous variant.
Genome position (GRCh38, 1-based): chr6:52,017,556, C>T on the plus strand (G>A on the coding strand, the complement: PKHD1 is on the minus strand). VCF-style: chr6-52017556-C-T. GRCh37 (hg19) VCF-style: chr6-51882354-C-T.
Other names: c.5454G>A, p.Gln1818= (NM_170724.3); c.5454G>A (NM_138694.3).
Identifiers: ClinVar variation 1135600 (VCV001135600.10), dbSNP rs1800738202, ClinGen allele CA450417549.

ClinVar aggregate classification (germline): Likely benign. Review status: criteria provided, multiple submitters, no conflicts (2 of 4 stars). 2 submissions from 2 submitters: Likely benign (2). Last evaluated 2025-04-22.

Conditions:
PKHD1-related disorder. Also called: PKHD1-related condition.
Autosomal recessive polycystic kidney disease (ARPKD). Also called: AR polycystic kidney disease. Identifiers: Orphanet 731, Orphanet 8378, MedGen C0085548, MeSH D017044, MONDO:0009889.

Allele frequency attached by ClinVar (database versions not stated): TOPMed below 0.00001.
gnomAD v4.1: 1 of 1,614,180 alleles (0.000062%); no homozygotes.

Submissions (2):

PreventionGenetics, part of Exact Sciences
Classification: Likely benign for PKHD1-related condition. Last evaluated: 2025-04-22. Review status: criteria provided, single submitter. Criteria: ACMG Guidelines, 2015. Collection method: clinical testing. Allele origin: germline.
Comment: This variant is classified as likely benign based on ACMG/AMP sequence variant interpretation guidelines (Richards et al. 2015 PMID: 25741868, with internal and published modifications).

Labcorp Genetics (formerly Invitae), Labcorp
Classification: Likely benign for Autosomal recessive polycystic kidney disease. Last evaluated: 2020-08-30. Review status: criteria provided, single submitter. Criteria: Invitae Variant Classification Sherloc (09022015). Collection method: clinical testing. Allele origin: germline.